The following is an entry in ClinVar:

NM_002415.2(MIF):c.198C>T (p.Gly66=)

Genes: MIF (macrophage migration inhibitory factor; plus strand), MIF-AS1 (MIF antisense RNA 1; minus strand). Cytogenetic location: 22q11.23.
Variant type: single nucleotide variant.
Coding change: c.198C>T on transcript NM_002415.2 (MANE Select); coding-DNA position 198, C replaced by T.
Protein change: p.Gly66=; no amino-acid change (glycine 66 retained).
Molecular consequence: synonymous variant. On other transcripts: non-coding transcript variant (1).
Genome position (GRCh38, 1-based): chr22:23,894,861, C>T. VCF-style: chr22-23894861-C-T. GRCh37 (hg19) VCF-style: chr22-24237048-C-T.
Identifiers: ClinVar variation 5041215 (VCV005041215.1).

ClinVar aggregate classification (germline): Likely benign (1 of 4 stars; one submission).

Submission:

CeGaT Center for Human Genetics Tuebingen
Classification: Likely benign. Last evaluated: 2026-09-01. Review status: criteria provided, single submitter. Criteria: CeGaT Center For Human Genetics Tuebingen Variant Classification Criteria Version 2. Collection method: clinical testing. Allele origin: germline. Affected: yes. Observed: 1 variant allele.
Comment: MIF: BP4, BP7